The following is an entry in ClinVar:

ClinVar aggregate classification (germline): Likely benign (0 of 4 stars; one submission).

Conditions:
SLC2A10-related disorder. Also called: SLC2A10-related condition.

Allele frequency attached by ClinVar (database versions not stated): gnomAD exomes below 0.00001.
gnomAD v4.1: 2 of 1,613,938 alleles (0.00012%); highest among the groups gnomAD compares: Middle Eastern, 0.016%; no homozygotes.

Submission:

PreventionGenetics, part of Exact Sciences
Classification: Likely benign for SLC2A10-related condition. Last evaluated: 2023-12-07. Review status: no assertion criteria provided. Collection method: clinical testing. Allele origin: germline.
Comment: This variant is classified as likely benign based on ACMG/AMP sequence variant interpretation guidelines (Richards et al. 2015 PMID: 25741868, with internal and published modifications).

NM_030777.4(SLC2A10):c.954C>T (p.Ser318=)

Gene: SLC2A10 (solute carrier family 2 member 10; plus strand). Cytogenetic location: 20q13.12.
Variant type: single nucleotide variant.
Coding change: c.954C>T on transcript NM_030777.4 (MANE Select); coding-DNA position 954, C replaced by T.
Protein change: p.Ser318=; no amino-acid change (serine 318 retained).
Molecular consequence: synonymous variant.
Genome position (GRCh38, 1-based): chr20:46,725,990, C>T. VCF-style: chr20-46725990-C-T. GRCh37 (hg19) VCF-style: chr20-45354629-C-T.
Identifiers: ClinVar variation 3035499 (VCV003035499.2), dbSNP rs1600668297, ClinGen allele CA510848153.